The following is an entry in ClinVar:

NM_002742.3(PRKD1):c.2169G>A (p.Val723=)

Gene: PRKD1 (protein kinase D1; minus strand). Cytogenetic location: 14q12.
Variant type: single nucleotide variant.
Coding change: c.2169G>A on transcript NM_002742.3 (MANE Select); coding-DNA position 2169, G replaced by A.
Protein change: p.Val723=; no amino-acid change (valine 723 retained).
Molecular consequence: synonymous variant.
Genome position (GRCh38, 1-based): chr14:29,597,756, C>T on the plus strand (G>A on the coding strand, the complement: PRKD1 is on the minus strand). VCF-style: chr14-29597756-C-T. GRCh37 (hg19) VCF-style: chr14-30066962-C-T.
Other names: c.2193G>A, p.Val731= (NM_001330069.2); c.1905G>A, p.Val635= (NM_001348390.1).
Identifiers: ClinVar variation 4986822 (VCV004986822.1).

ClinVar aggregate classification (germline): Likely benign (1 of 4 stars; one submission).

Conditions:
PRKD1-related disorder. Also called: PRKD1-related condition.

gnomAD v4.1: 1 of 1,609,740 alleles (0.000062%); highest among the groups gnomAD compares: African/African-American, 0.0013%; no homozygotes.

Submission:

PreventionGenetics, part of Exact Sciences
Classification: Likely benign for PRKD1-related condition. Last evaluated: 2025-12-03. Review status: criteria provided, single submitter. Criteria: ACMG Guidelines, 2015. Collection method: clinical testing. Allele origin: germline.
Comment: This variant is classified as likely benign based on ACMG/AMP sequence variant interpretation guidelines (Richards et al. 2015 PMID: 25741868, with internal and published modifications).